The following is an entry in ClinVar:

NM_000038.6(APC):c.1126A>T (p.Ser376Cys)

Gene: APC (APC regulator of Wnt signaling pathway; plus strand). Cytogenetic location: 5q22.2.
Variant type: single nucleotide variant.
Coding change: c.1126A>T on transcript NM_000038.6 (MANE Select); coding-DNA position 1126, A replaced by T.
Protein change: p.Ser376Cys; replaces serine 376 with cysteine.
Molecular consequence: missense variant. On other transcripts: non-coding transcript variant (2), intron variant (15).
Genome position (GRCh38, 1-based): chr5:112,819,158, A>T. VCF-style: chr5-112819158-A-T. GRCh37 (hg19) VCF-style: chr5-112154855-A-T.
Other names: c.1126A>T, p.Ser376Cys (NM_001127510.3, NM_001354895.2, NM_001354896.2 and 4 more transcripts); c.1072A>T, p.Ser358Cys (NM_001127511.3); c.1156A>T, p.Ser386Cys (NM_001354897.2, NM_001407446.1); c.1051A>T, p.Ser351Cys (NM_001354898.2, NM_001407451.1); c.1042A>T, p.Ser348Cys (NM_001354899.2, NM_001407452.1); c.949A>T, p.Ser317Cys (NM_001354900.2, NM_001354901.2, NM_001407453.1); c.277A>T, p.Ser93Cys (NM_001354906.2, NM_001407470.1); c.85-111A>T (NM_001407472.1, NM_001407471.1); and 5 more; short protein forms S386C, S351C, S376C, S317C, S348C, S358C, S93C.
Identifiers: ClinVar variation 3881713 (VCV003881713.1).

ClinVar aggregate classification (germline): Uncertain significance (1 of 4 stars; one submission).

Conditions:
Hereditary cancer-predisposing syndrome. Also called: Tumor predisposition; Neoplastic Syndromes, Hereditary; Hereditary Cancer Syndrome; Hereditary neoplastic syndrome. Identifiers: Orphanet 140162, MedGen C0027672, MeSH D009386, MONDO:0015356.

Submission:

Ambry Genetics
Classification: Uncertain significance for Hereditary cancer-predisposing syndrome. Last evaluated: 2025-01-10. Review status: criteria provided, single submitter. Criteria: Ambry Variant Classification Scheme 2023. Collection method: clinical testing. Allele origin: germline.
Comment: The p.S376C variant (also known as c.1126A>T), located in coding exon 9 of the APC gene, results from an A to T substitution at nucleotide position 1126. The serine at codon 376 is replaced by cysteine, an amino acid with dissimilar properties. This amino acid position is conserved. In addition, in silico predictors for this gene do not accurately predict pathogenicity. Based on the available evidence, the clinical significance of this variant remains unclear.